The following is an entry in ClinVar:

ClinVar aggregate classification (germline): Pathogenic (1 of 4 stars; one submission).

Conditions:
GROWTH HORMONE DEFICIENCY WITH PITUITARY ANOMALIES. Identifiers: MedGen C2750027, OMIM 182230.
Septo-optic dysplasia sequence (SOD). Also called: DE MORSIER SYNDROME; Septo-optic dysplasia. Identifiers: Orphanet 3157, MedGen C0338503, MONDO:0008428, OMIM 182230, HP:0100842.

Submission:

Labcorp Genetics (formerly Invitae), Labcorp
Classification: Pathogenic for GROWTH HORMONE DEFICIENCY WITH PITUITARY ANOMALIES; Septo-optic dysplasia sequence. Last evaluated: 2022-08-23. Review status: criteria provided, single submitter. Criteria: Invitae Variant Classification Sherloc (09022015). Collection method: clinical testing. Allele origin: germline.
Comment: For these reasons, this variant has been classified as Pathogenic. This variant disrupts a region of the HESX1 protein in which other variant(s) (p.Arg160Cys) have been determined to be pathogenic (PMID: 9620767, 11748154, 25910213, 27013732). This suggests that this is a clinically significant region of the protein, and that variants that disrupt it are likely to be disease-causing. This variant has not been reported in the literature in individuals affected with HESX1-related conditions. This variant is not present in population databases (gnomAD no frequency). This sequence change creates a premature translational stop signal (p.Asn130Thrfs*12) in the HESX1 gene. While this is not anticipated to result in nonsense mediated decay, it is expected to disrupt the last 56 amino acid(s) of the HESX1 protein.

Literature cited by the submitters: PubMed 9620767; PubMed 11748154; PubMed 25910213; PubMed 27013732.

NM_003865.3(HESX1):c.389del (p.Asn130fs)

Gene: HESX1 (HESX homeobox 1; minus strand). Cytogenetic location: 3p14.3.
Variant type: Deletion.
Coding change: c.389del on transcript NM_003865.3 (MANE Select); coding-DNA position 389, one base deleted (A; older notation c.389delA).
Protein change: p.Asn130fs; shifts the reading frame from asparagine 130.
Molecular consequence: frameshift variant. On other transcripts: non-coding transcript variant (1).
Genome position (GRCh38, 1-based): chr3:57,198,461, T deleted on the plus strand (A on the coding strand, the reverse complement: HESX1 is on the minus strand); the first of 3 consecutive T bases (chr3:57,198,461-57,198,463); deleting any one gives the same sequence. VCF-style (leftmost placement, unchanged base first): chr3-57198460-GT-G. GRCh37 (hg19) VCF-style: chr3-57232488-GT-G.
Other names: c.389del, p.Asn130fs (NM_001376058.1, NM_001376059.1, NM_001376060.1 and 1 more transcripts); short protein forms N130fs.
Identifiers: ClinVar variation 2061888 (VCV002061888.4), dbSNP rs2060462273, ClinGen allele CA1367077322.